The following is an entry in ClinVar:

NM_033004.4(NLRP1):c.878A>T (p.Asp293Val)

Gene: NLRP1 (NLR family pyrin domain containing 1; minus strand). Cytogenetic location: 17p13.2.
Variant type: single nucleotide variant.
Coding change: c.878A>T on transcript NM_033004.4 (MANE Select); coding-DNA position 878, A replaced by T.
Protein change: p.Asp293Val; replaces aspartic acid 293 with valine.
Molecular consequence: missense variant.
Genome position (GRCh38, 1-based): chr17:5,559,818, T>A on the plus strand (A>T on the coding strand, the complement: NLRP1 is on the minus strand). VCF-style: chr17-5559818-T-A. GRCh37 (hg19) VCF-style: chr17-5463138-T-A.
Other names: c.878A>T, p.Asp293Val (NM_001033053.3, NM_033006.4, NM_014922.5 and 1 more transcripts); short protein forms D293V.
Identifiers: ClinVar variation 3604214 (VCV003604214.2).

ClinVar aggregate classification (germline): Uncertain significance (1 of 4 stars; one submission).

Submission:

Labcorp Genetics (formerly Invitae), Labcorp
Classification: Uncertain significance. Last evaluated: 2024-12-24. Review status: criteria provided, single submitter. Criteria: Invitae Variant Classification Sherloc (09022015). Collection method: clinical testing. Allele origin: germline.
Comment: This sequence change replaces aspartic acid, which is acidic and polar, with valine, which is neutral and non-polar, at codon 293 of the NLRP1 protein (p.Asp293Val). This variant is not present in population databases (gnomAD no frequency). This variant has not been reported in the literature in individuals affected with NLRP1-related conditions. An algorithm developed to predict the effect of missense changes on protein structure and function outputs the following: PolyPhen-2: "Benign". The valine amino acid residue is found in multiple mammalian species, which suggests that this missense change does not adversely affect protein function. In summary, the available evidence is currently insufficient to determine the role of this variant in disease. Therefore, it has been classified as a Variant of Uncertain Significance.